The following is an entry in ClinVar:

NM_013275.6(ANKRD11):c.5882G>C (p.Ser1961Thr)

Gene: ANKRD11 (ankyrin repeat domain 11; minus strand). Cytogenetic location: 16q24.3.
Variant type: single nucleotide variant.
Coding change: c.5882G>C on transcript NM_013275.6 (MANE Select); coding-DNA position 5882, G replaced by C.
Protein change: p.Ser1961Thr; replaces serine 1961 with threonine.
Molecular consequence: missense variant.
Genome position (GRCh38, 1-based): chr16:89,280,660, C>G on the plus strand (G>C on the coding strand, the complement: ANKRD11 is on the minus strand). VCF-style: chr16-89280660-C-G. GRCh37 (hg19) VCF-style: chr16-89347068-C-G.
Other names: c.5882G>C, p.Ser1961Thr (NM_001256182.2, NM_001256183.2); c.5882G>C (NM_013275.4); short protein forms S1961T.
Identifiers: ClinVar variation 2717434 (VCV002717434.4), dbSNP rs199964892, ClinGen allele CA8241688.
Genomic context (GRCh38, chr16:89,280,660, plus strand): 5'-AGCAGGAGGTCCGAGCCCACAGGCCAGCTCACAGGGTTTTCAGAGGTGCCCCCGATCAGG[C>G]TAGAGGCAAGCGCCTGCTCGGAGGGGTGGGCCCACTCAACGGGCTCCTCGGTGATGACGG-3'
Protein context (NP_037407.4, residues 1951-1971): AHPSEQALAS[Ser1961Thr]LIGGTSENPV

ClinVar aggregate classification (germline): Uncertain significance. Review status: criteria provided, multiple submitters, no conflicts (2 of 4 stars). 2 submissions from 2 submitters: Uncertain significance (2). Last evaluated 2024-10-29.

Conditions:
Inborn genetic diseases. Identifiers: MedGen C0950123, MeSH D030342.
KBG syndrome (KBGS). Also called: ANKRD11-Related KBG Syndrome. Identifiers: Orphanet 2332, MedGen C0220687, MONDO:0007846, OMIM 148050.

Allele frequency attached by ClinVar (database versions not stated): ExAC 0.00002.
gnomAD v4.1: 5 of 1,613,440 alleles (0.00031%); highest among the groups gnomAD compares: Admixed American, 0.0067%; no homozygotes.

Submissions (2):

Ambry Genetics
Classification: Uncertain significance for Inborn genetic diseases. Last evaluated: 2024-10-29. Review status: criteria provided, single submitter. Criteria: Ambry Variant Classification Scheme 2023. Collection method: clinical testing. Allele origin: germline.

Labcorp Genetics (formerly Invitae), Labcorp
Classification: Uncertain significance for KBG syndrome. Last evaluated: 2024-04-16. Review status: criteria provided, single submitter. Criteria: Invitae Variant Classification Sherloc (09022015). Collection method: clinical testing. Allele origin: germline.
Comment: This sequence change replaces serine, which is neutral and polar, with threonine, which is neutral and polar, at codon 1961 of the ANKRD11 protein (p.Ser1961Thr). This variant is present in population databases (rs199964892, gnomAD 0.009%). This variant has not been reported in the literature in individuals affected with ANKRD11-related conditions. Advanced modeling of protein sequence and biophysical properties (such as structural, functional, and spatial information, amino acid conservation, physicochemical variation, residue mobility, and thermodynamic stability) performed at Invitae indicates that this missense variant is not expected to disrupt ANKRD11 protein function with a negative predictive value of 95%. In summary, the available evidence is currently insufficient to determine the role of this variant in disease. Therefore, it has been classified as a Variant of Uncertain Significance.